The following is an entry in ClinVar:

ClinVar aggregate classification (germline): Uncertain significance. Review status: criteria provided, multiple submitters, no conflicts (2 of 4 stars). 2 submissions from 2 submitters: Uncertain significance (2). Last evaluated 2023-04-18.

Conditions:
Hereditary pulmonary alveolar proteinosis. Also called: Pulmonary surfactant metabolism dysfunction. Identifiers: Orphanet 264675, MedGen C3711368, MONDO:0012580.

Allele frequency attached by ClinVar (database versions not stated): gnomAD 0.00001; gnomAD exomes 0.00001; TOPMed 0.00002.
gnomAD v4.1: 13 of 1,613,048 alleles (0.00081%); highest among the groups gnomAD compares: Non-Finnish European, 0.001%; no homozygotes.

Submissions (2):

Blueprint Genetics
Classification: Uncertain significance. Last evaluated: 2023-04-18. Review status: criteria provided, single submitter. Criteria: ACMG Guidelines, 2015. Collection method: clinical testing. Allele origin: germline.

Ambry Genetics
Classification: Uncertain significance for Hereditary pulmonary alveolar proteinosis. Last evaluated: 2016-10-03. Review status: criteria provided, single submitter. Criteria: Ambry Variant Classification Scheme 2023. Collection method: clinical testing. Allele origin: germline.
Comment: The p.R1704* variant (also known as c.5110C>T), located in coding exon 30 of the ABCA3 gene, results from a C to T substitution at nucleotide position 5110. This changes the amino acid from an arginine to a stop codon within coding exon 30. Premature stop codons are typically deleterious in nature, however, this stop codon occurs at the last amino acid of the protein, and is not expected to trigger nonsense-mediated mRNA decay. The exact functional impact of this removed amino acid is unknown at this time. This variant was not reported in population based cohorts in the following databases: Database of Single Nucleotide Polymorphisms (dbSNP), NHLBI Exome Sequencing Project (ESP), and 1000 Genomes Project. In the ESP, this variant was not observed in 6498 samples (12996 alleles) with coverage at this position. This amino acid position is poorly conserved in available vertebrate species. Since supporting evidence is limited at this time, the clinical significance of this alteration remains unclear.

NM_001089.3(ABCA3):c.5110C>T (p.Arg1704Ter)

Gene: ABCA3 (ATP binding cassette subfamily A member 3; minus strand). Cytogenetic location: 16p13.3.
Variant type: single nucleotide variant.
Coding change: c.5110C>T on transcript NM_001089.3 (MANE Select); coding-DNA position 5110, C replaced by T.
Protein change: p.Arg1704Ter; replaces arginine 1704 with a stop codon.
Molecular consequence: nonsense.
Genome position (GRCh38, 1-based): chr16:2,276,679, G>A on the plus strand (C>T on the coding strand, the complement: ABCA3 is on the minus strand). VCF-style: chr16-2276679-G-A. GRCh37 (hg19) VCF-style: chr16-2326680-G-A.
Other names: short protein forms R1704*.
Identifiers: ClinVar variation 1745412 (VCV001745412.3), dbSNP rs752056167, ClinGen allele CA7839893.